The following is an entry in ClinVar:

ClinVar aggregate classification (germline): Uncertain significance. Review status: criteria provided, multiple submitters, no conflicts (2 of 4 stars). 3 submissions from 3 submitters: Uncertain significance (3). Last evaluated 2024-03-18.

Conditions:
Inborn genetic diseases. Identifiers: MedGen C0950123, MeSH D030342.
Geroderma osteodysplastica (GO). Also called: WALT DISNEY DWARFISM; Geroderma osteodysplasticum. Identifiers: Orphanet 2078, MedGen C0432255, MONDO:0009271, OMIM 231070.

Allele frequency attached by ClinVar (database versions not stated): gnomAD exomes 0.00001 and 0.00002; TOPMed 0.00001; ExAC 0.00002.

Submissions (3):

Ambry Genetics
Classification: Uncertain significance for Inborn genetic diseases. Last evaluated: 2024-03-18. Review status: criteria provided, single submitter. Criteria: Ambry Variant Classification Scheme 2023. Collection method: clinical testing. Allele origin: germline.

Genome-Nilou Lab
Classification: Uncertain significance for Geroderma osteodysplastica. Last evaluated: 2023-04-11. Review status: criteria provided, single submitter. Criteria: ACMG Guidelines, 2015. Collection method: clinical testing. Allele origin: germline. Affected: no.

Labcorp Genetics (formerly Invitae), Labcorp
Classification: Uncertain significance. Last evaluated: 2022-01-16. Review status: criteria provided, single submitter. Criteria: Invitae Variant Classification Sherloc (09022015). Collection method: clinical testing. Allele origin: germline.
Comment: This sequence change replaces aspartic acid, which is acidic and polar, with asparagine, which is neutral and polar, at codon 155 of the GORAB protein (p.Asp155Asn). This variant is present in population databases (rs750567904, gnomAD 0.02%). This variant has not been reported in the literature in individuals affected with GORAB-related conditions. Algorithms developed to predict the effect of missense changes on protein structure and function output the following: SIFT: "Tolerated"; PolyPhen-2: "Benign"; Align-GVGD: "Class C0". The asparagine amino acid residue is found in multiple mammalian species, which suggests that this missense change does not adversely affect protein function. In summary, the available evidence is currently insufficient to determine the role of this variant in disease. Therefore, it has been classified as a Variant of Uncertain Significance.

NM_152281.3(GORAB):c.388G>A (p.Asp130Asn)

Gene: GORAB (golgin, RAB6 interacting; plus strand). Cytogenetic location: 1q24.2.
Variant type: single nucleotide variant.
Coding change: c.388G>A on transcript NM_152281.3 (MANE Select); coding-DNA position 388, G replaced by A.
Protein change: p.Asp130Asn; replaces aspartic acid 130 with asparagine.
Molecular consequence: missense variant. On other transcripts: 5 prime UTR variant (1), non-coding transcript variant (1).
Genome position (GRCh38, 1-based): chr1:170,539,536, G>A. VCF-style: chr1-170539536-G-A. GRCh37 (hg19) VCF-style: chr1-170508677-G-A.
Other names: c.463G>A (NM_152281.2); c.388G>A, p.Asp130Asn (NM_001146039.2); c.-78G>A (NM_001320252.2); short protein forms D130N.
Identifiers: ClinVar variation 1446136 (VCV001446136.6), dbSNP rs750567904, ClinGen allele CA1239102.